The following is an entry in ClinVar:

NM_173651.4(FSIP2):c.10247del (p.Lys3416fs)

Genes: FSIP2 (fibrous sheath interacting protein 2; plus strand), FSIP2-AS1 (FSIP2 antisense RNA 1; minus strand). Cytogenetic location: 2q32.1.
Variant type: Deletion.
Coding change: c.10247del on transcript NM_173651.4 (MANE Select); coding-DNA position 10247, one base deleted (A; older notation c.10247delA).
Protein change: p.Lys3416fs; shifts the reading frame from lysine 3416.
Molecular consequence: frameshift variant.
Genome position (GRCh38, 1-based): chr2:185,797,383, A deleted; the last of 8 consecutive A bases (chr2:185,797,376-185,797,383); deleting any one gives the same sequence. VCF-style (leftmost placement, unchanged base first): chr2-185797375-GA-G. GRCh37 (hg19) VCF-style: chr2-186662102-GA-G.
Other names: short protein forms K3416fs.
Identifiers: ClinVar variation 5001510 (VCV005001510.1).

ClinVar aggregate classification (germline): Likely pathogenic (1 of 4 stars; one submission).

Conditions:
FSIP2-related disorder. Also called: FSIP2-related condition.

Submission:

PreventionGenetics, part of Exact Sciences
Classification: Likely pathogenic for FSIP2-related condition. Last evaluated: 2025-03-17. Review status: criteria provided, single submitter. Criteria: ACMG Guidelines, 2015. Collection method: clinical testing. Allele origin: germline.
Comment: The FSIP2 c.10247delA variant is predicted to result in a frameshift and premature protein termination (p.Lys3416Argfs*6). To our knowledge, this variant has not been reported in the literature. This variant is reported in 0.017% of alleles in individuals of African descent in gnomAD. Frameshift variants in FSIP2 are expected to be pathogenic. This variant is interpreted as likely pathogenic.